The following is an entry in ClinVar:

NM_001110556.2(FLNA):c.4476C>T (p.Gly1492=)

Gene: FLNA (filamin A; minus strand). Cytogenetic location: Xq28.
Variant type: single nucleotide variant.
Coding change: c.4476C>T on transcript NM_001110556.2 (MANE Select); coding-DNA position 4476, C replaced by T.
Protein change: p.Gly1492=; no amino-acid change (glycine 1492 retained).
Molecular consequence: synonymous variant.
Genome position (GRCh38, 1-based): chrX:154,358,567, G>A on the plus strand (C>T on the coding strand, the complement: FLNA is on the minus strand). VCF-style: chrX-154358567-G-A. GRCh37 (hg19) VCF-style: chrX-153586935-G-A.
Other names: c.4476C>T, p.Gly1492= (NM_001456.4).
Identifiers: ClinVar variation 450034 (VCV000450034.3), dbSNP rs1557177325, ClinGen allele CA519707320.

ClinVar aggregate classification (germline): Uncertain significance (1 of 4 stars; one submission).

Submission:

GeneDx
Classification: Uncertain significance. Last evaluated: 2019-09-17. Review status: criteria provided, single submitter. Criteria: GeneDx Variant Classification Process June 2021. Collection method: clinical testing. Allele origin: germline. Affected: yes.
Comment: Not observed in large population cohorts (Lek et al., 2016); Has not been previously published as pathogenic or benign to our knowledge; In-silico analysis, which includes splice predictors and evolutionary conservation, is inconclusive as to whether the variant alters gene splicing. In the absence of RNA/functional studies, the actual effect of this sequence change is unknown.